The following is an entry in ClinVar:

ClinVar aggregate classification (germline): Uncertain significance (1 of 4 stars; one submission).

Conditions:
Early-infantile DEE. Also called: Ohtahara syndrome; Early infantile epileptic encephalopathy with suppression bursts; Early infantile epileptic encephalopathy. Identifiers: Orphanet 1934, MedGen C0393706, MONDO:0800491.

Submission:

Labcorp Genetics (formerly Invitae), Labcorp
Classification: Uncertain significance for Early-infantile DEE. Last evaluated: 2024-02-16. Review status: criteria provided, single submitter. Criteria: Invitae Variant Classification Sherloc (09022015). Collection method: clinical testing. Allele origin: germline.
Comment: This sequence change falls in intron 7 of the SCN1A gene. It does not directly change the encoded amino acid sequence of the SCN1A protein. This variant is not present in population databases (gnomAD no frequency). This variant has not been reported in the literature in individuals affected with SCN1A-related conditions. ClinVar contains an entry for this variant (Variation ID: 1412774). Algorithms developed to predict the effect of sequence changes on RNA splicing suggest that this variant may disrupt the consensus splice site. In summary, the available evidence is currently insufficient to determine the role of this variant in disease. Therefore, it has been classified as a Variant of Uncertain Significance.

NM_001165963.4(SCN1A):c.1029-5T>G

Gene: SCN1A (sodium voltage-gated channel alpha subunit 1; minus strand). Cytogenetic location: 2q24.3.
Variant type: single nucleotide variant.
Coding change: c.1029-5T>G on transcript NM_001165963.4 (MANE Select); 5 bases into the intron before coding-DNA position 1029, T replaced by G.
Molecular consequence: intron variant.
Genome position (GRCh38, 1-based): chr2:166,047,773, A>C on the plus strand (T>G on the coding strand, the complement: SCN1A is on the minus strand). VCF-style: chr2-166047773-A-C. GRCh37 (hg19) VCF-style: chr2-166904283-A-C.
Other names: c.1029-5T>G (NM_001353949.2, NM_001353958.2, NM_001353950.2 and 10 more transcripts); c.-1397-5T>G (NM_001353961.2).
Identifiers: ClinVar variation 1412774 (VCV001412774.7), dbSNP rs2105868433, ClinGen allele CA2573133552.
Genomic context (GRCh38, chr2:166,047,773, plus strand): 5'-AGCCATAATTGGGATTTCTACCAGCTTTCACACACATATATCCCTCTGGACATTGGCTGC[A>C]AGTGGGGTAAAAGAAAGTATTACAAGTCGTTCTGCTGCCTTTTTACTCTGATACTATGCT-3'